The following is an entry in ClinVar:

NM_001042492.3(NF1):c.2706G>A (p.Met902Ile)

Gene: NF1 (neurofibromin 1; plus strand). Cytogenetic location: 17q11.2.
Variant type: single nucleotide variant.
Coding change: c.2706G>A on transcript NM_001042492.3 (MANE Select); coding-DNA position 2706, G replaced by A.
Protein change: p.Met902Ile; replaces methionine 902 with isoleucine.
Molecular consequence: missense variant.
Genome position (GRCh38, 1-based): chr17:31,229,321, G>A. VCF-style: chr17-31229321-G-A. GRCh37 (hg19) VCF-style: chr17-29556339-G-A.
Other names: c.2706G>A, p.Met902Ile (NM_000267.4); short protein forms M902I.
Identifiers: ClinVar variation 956842 (VCV000956842.7), dbSNP rs2067071823, ClinGen allele CA398985060.
Genomic context (GRCh38, chr17:31,229,321, plus strand): 5'-TTCAGAGGGAAACGCAGATACACCTGTCAGCAAATTTATGGATCGGCTGTTGTCCTTAAT[G>A]GTGTGTAACCATGAGAAAGTGGGACTTCAAATACGGACCAATGTTAAGGATCTGGTGGGT-3'
Protein context (NP_001035957.1, residues 892-912): SKFMDRLLSL[Met902Ile]VCNHEKVGLQ

ClinVar aggregate classification (germline): Uncertain significance. Review status: criteria provided, multiple submitters, no conflicts (2 of 4 stars). 2 submissions from 2 submitters: Uncertain significance (2). Last evaluated 2025-04-23.

Conditions:
Hereditary cancer-predisposing syndrome. Also called: Hereditary neoplastic syndrome; Tumor predisposition; Neoplastic Syndromes, Hereditary; Hereditary Cancer Syndrome. Identifiers: Orphanet 140162, MedGen C0027672, MeSH D009386, MONDO:0015356.
Cardiovascular phenotype. Identifiers: MedGen CN230736.
Neurofibromatosis, type 1 (NF1). Also called: Peripheral type neurofibromatosis; VON RECKLINGHAUSEN DISEASE; NEUROFIBROMATOSIS, TYPE I, SOMATIC; Neurofibromatosis, type I. Identifiers: Orphanet 636, MedGen C0027831, MONDO:0018975, OMIM 162200. Disease mechanism: loss of function.

Submissions (2):

Ambry Genetics
Classification: Uncertain significance for Cardiovascular phenotype; Hereditary cancer-predisposing syndrome. Last evaluated: 2025-04-23. Review status: criteria provided, single submitter. Criteria: Ambry Variant Classification Scheme 2023. Collection method: clinical testing. Allele origin: germline.
Comment: The p.M902I variant (also known as c.2706G>A), located in coding exon 21 of the NF1 gene, results from a G to A substitution at nucleotide position 2706. The methionine at codon 902 is replaced by isoleucine, an amino acid with highly similar properties. This amino acid position is well conserved in available vertebrate species. In addition, the in silico prediction for this alteration is inconclusive. Based on the available evidence, the clinical significance of this variant remains unclear.

Labcorp Genetics (formerly Invitae), Labcorp
Classification: Uncertain significance for Neurofibromatosis, type 1. Last evaluated: 2024-05-08. Review status: criteria provided, single submitter. Criteria: Invitae Variant Classification Sherloc (09022015). Collection method: clinical testing. Allele origin: germline.
Comment: This sequence change replaces methionine, which is neutral and non-polar, with isoleucine, which is neutral and non-polar, at codon 902 of the NF1 protein (p.Met902Ile). This variant is not present in population databases (gnomAD no frequency). This variant has not been reported in the literature in individuals affected with NF1-related conditions. This missense change has been observed to co-occur in individuals with a different variant in NF1 that has been determined to be pathogenic (Invitae), but the significance of this finding is unclear. ClinVar contains an entry for this variant (Variation ID: 956842). Advanced modeling of protein sequence and biophysical properties (such as structural, functional, and spatial information, amino acid conservation, physicochemical variation, residue mobility, and thermodynamic stability) has been performed at Invitae for this missense variant, however the output from this modeling did not meet the statistical confidence thresholds required to predict the impact of this variant on NF1 protein function. In summary, the available evidence is currently insufficient to determine the role of this variant in disease. Therefore, it has been classified as a Variant of Uncertain Significance.